The following is an entry in ClinVar:

ClinVar aggregate classification (germline): Uncertain significance (1 of 4 stars; one submission).

Conditions:
Cardiovascular phenotype. Identifiers: MedGen CN230736.

Submission:

Molecular Diagnostic Laboratory for Inherited Cardiovascular Disease, Montreal Heart Institute
Classification: Uncertain significance for Cardiovascular phenotype. Last evaluated: 2026-03-27. Review status: criteria provided, single submitter. Criteria: ACMG Guidelines, 2015. Collection method: clinical testing. Allele origin: germline. Affected: yes.
Comment: PS4_supp, PM2, PP2, PP3

NM_003242.6(TGFBR2):c.251G>A (p.Cys84Tyr)

Gene: TGFBR2 (transforming growth factor beta receptor 2; plus strand). Cytogenetic location: 3p24.1.
Variant type: single nucleotide variant.
Coding change: c.251G>A on transcript NM_003242.6 (MANE Select); coding-DNA position 251, G replaced by A.
Protein change: p.Cys84Tyr; replaces cysteine 84 with tyrosine.
Molecular consequence: missense variant. On other transcripts: intron variant (2).
Genome position (GRCh38, 1-based): chr3:30,644,903, G>A. VCF-style: chr3-30644903-G-A. GRCh37 (hg19) VCF-style: chr3-30686395-G-A.
Other names: c.326G>A, p.Cys109Tyr (NM_001024847.3, NM_001407126.1, NM_001407139.1); c.251G>A, p.Cys84Tyr (NM_001407127.1, NM_001407130.1); c.278G>A, p.Cys93Tyr (NM_001407128.1); c.146G>A, p.Cys49Tyr (NM_001407129.1, NM_001407132.1, NM_001407133.1 and 3 more transcripts); c.169+21630G>A (NM_001407137.1); c.95-26735G>A (NM_001407138.1); short protein forms C109Y, C49Y, C84Y, C93Y.
Identifiers: ClinVar variation 4820546 (VCV004820546.1).
Genomic context (GRCh38, chr3:30,644,903, plus strand): 5'-AGAAATCCTGCATGAGCAACTGCAGCATCACCTCCATCTGTGAGAAGCCACAGGAAGTCT[G>A]TGTGGCTGTATGGTAAGCAAGCCTTTTAAGAAGTTATTCTTTCTTTTCCCCTTTTTACAT-3'
Protein context (NP_003233.4, residues 74-94): TSICEKPQEV[Cys84Tyr]VAVWRKNDEN